The following is an entry in ClinVar:

NM_017950.4(CCDC40):c.1379T>A (p.Phe460Tyr)

Gene: CCDC40 (coiled-coil domain 40 molecular ruler complex subunit; plus strand). Cytogenetic location: 17q25.3.
Variant type: single nucleotide variant.
Coding change: c.1379T>A on transcript NM_017950.4 (MANE Select); coding-DNA position 1379, T replaced by A.
Protein change: p.Phe460Tyr; replaces phenylalanine 460 with tyrosine.
Molecular consequence: missense variant.
Genome position (GRCh38, 1-based): chr17:80,058,919, T>A. VCF-style: chr17-80058919-T-A. GRCh37 (hg19) VCF-style: chr17-78032718-T-A.
Other names: c.1379T>A, p.Phe460Tyr (NM_001243342.2, NM_001330508.2); short protein forms F460Y.
Identifiers: ClinVar variation 660127 (VCV000660127.16), dbSNP rs201576715, ClinGen allele CA8813808.

ClinVar aggregate classification (germline): Conflicting classifications of pathogenicity. Review status: criteria provided, conflicting classifications (1 of 4 stars). 4 submissions from 4 submitters: Uncertain significance (3); Likely benign (1). Last evaluated 2025-11-10.

Conditions:
Primary ciliary dyskinesia. Also called: Ciliary dyskinesia. Identifiers: Orphanet 244, MedGen C0008780, MONDO:0016575, HP:0012265.

Allele frequency attached by ClinVar (database versions not stated): TOPMed 0.00014; gnomAD exomes 0.00018 and 0.00032; gnomAD 0.00021; ExAC 0.00022; ESP Exome Variant Server 0.00032.
gnomAD v4.1: 499 of 1,614,044 alleles (0.031%); highest among the groups gnomAD compares: Non-Finnish European, 0.04%; no homozygotes.

Submissions (4):

Labcorp Genetics (formerly Invitae), Labcorp
Classification: Uncertain significance for Primary ciliary dyskinesia. Last evaluated: 2025-11-10. Review status: criteria provided, single submitter. Criteria: Invitae Variant Classification Sherloc (09022015). Collection method: clinical testing. Allele origin: germline.
Comment: This sequence change replaces phenylalanine, which is neutral and non-polar, with tyrosine, which is neutral and polar, at codon 460 of the CCDC40 protein (p.Phe460Tyr). This variant is present in population databases (rs201576715, gnomAD 0.04%). This variant has not been reported in the literature in individuals affected with CCDC40-related conditions. ClinVar contains an entry for this variant (Variation ID: 660127). Invitae Evidence Modeling of protein sequence and biophysical properties (such as structural, functional, and spatial information, amino acid conservation, physicochemical variation, residue mobility, and thermodynamic stability) indicates that this missense variant is not expected to disrupt CCDC40 protein function with a negative predictive value of 80%. In summary, the available evidence is currently insufficient to determine the role of this variant in disease. Therefore, it has been classified as a Variant of Uncertain Significance.

GeneDx
Classification: Uncertain significance. Last evaluated: 2025-02-21. Review status: criteria provided, single submitter. Criteria: GeneDx Variant Classification Process June 2021. Collection method: clinical testing. Allele origin: germline. Affected: yes.
Comment: In silico analysis indicates that this missense variant does not alter protein structure/function; Has not been previously published as pathogenic or benign to our knowledge

Ambry Genetics
Classification: Uncertain significance for Primary ciliary dyskinesia. Last evaluated: 2025-01-29. Review status: criteria provided, single submitter. Criteria: Ambry Variant Classification Scheme 2023. Collection method: clinical testing. Allele origin: germline.

Blueprint Genetics
Classification: Likely benign. Last evaluated: 2024-07-03. Review status: criteria provided, single submitter. Criteria: ACMG Guidelines, 2015. Collection method: clinical testing. Allele origin: germline.